The following is an entry in ClinVar:

NM_000719.7(CACNA1C):c.4761G>A (p.Ala1587=)

Gene: CACNA1C (calcium voltage-gated channel subunit alpha1 C; plus strand). Cytogenetic location: 12p13.33.
Variant type: single nucleotide variant.
Coding change: c.4761G>A on transcript NM_000719.7 (MANE Select); coding-DNA position 4761, G replaced by A.
Protein change: p.Ala1587=; no amino-acid change (alanine 1587 retained).
Molecular consequence: synonymous variant.
Genome position (GRCh38, 1-based): chr12:2,674,575, G>A. VCF-style: chr12-2674575-G-A. GRCh37 (hg19) VCF-style: chr12-2783741-G-A.
Other names: c.4905G>A, p.Ala1635= (NM_001129827.2, NM_199460.4); c.4884G>A, p.Ala1628= (NM_001129829.2); c.4761G>A, p.Ala1587= (NM_001129830.3, NM_001129840.2, NM_001129841.2 and 4 more transcripts); c.4845G>A, p.Ala1615= (NM_001129831.2); c.4821G>A, p.Ala1607= (NM_001129832.2); c.4818G>A, p.Ala1606= (NM_001129833.2, NM_001129834.2, NM_001129835.2); c.4812G>A, p.Ala1604= (NM_001129836.2); c.4785G>A, p.Ala1595= (NM_001129837.2, NM_001129838.2); and 3 more.
Identifiers: ClinVar variation 264555 (VCV000264555.46), dbSNP rs756364065, ClinGen allele CA6389611.
Genomic context (GRCh38, chr12:2,674,575, plus strand): 5'-GGCTGAGGATCCTTTCCGCCCTGCAGGGAACCTAGAACAAGCCAATGAGGAGCTGCGGGC[G>A]ATCATCAAGAAGATCTGGAAGCGGACCAGCATGAAGCTGCTGGACCAGGTGGTGCCCCCT-3'
Protein context (NP_000710.5, residues 1577-1597): NLEQANEELR[Ala1587=]IIKKIWKRTS

ClinVar aggregate classification (germline): Likely benign. Review status: criteria provided, multiple submitters, no conflicts (2 of 4 stars). 6 submissions from 6 submitters: Likely benign (6). Last evaluated 2026-01-05.

Conditions:
CACNA1C-related disorder. Also called: CACNA1C-related condition; CACNA1C-related disorders. Identifiers: MedGen CN381092, MONDO:0700321.
Cardiovascular phenotype. Identifiers: MedGen CN230736.
Long QT syndrome (LQTS). Identifiers: MedGen C0023976, MeSH D008133, MONDO:0002442. Disease mechanism: loss of function. Inheritance: Various modes of inheritance.

Allele frequency attached by ClinVar (database versions not stated): TOPMed 0.00008.
gnomAD v4.1: 102 of 1,573,224 alleles (0.0065%); highest among the groups gnomAD compares: Non-Finnish European, 0.0082%; no homozygotes.

Submissions (6):

Labcorp Genetics (formerly Invitae), Labcorp
Classification: Likely benign for Long QT syndrome. Last evaluated: 2026-01-05. Review status: criteria provided, single submitter. Criteria: Invitae Variant Classification Sherloc (09022015). Collection method: clinical testing. Allele origin: germline.

PreventionGenetics, part of Exact Sciences
Classification: Likely benign for CACNA1C-related condition. Last evaluated: 2025-11-13. Review status: criteria provided, single submitter. Criteria: ACMG Guidelines, 2015. Collection method: clinical testing. Allele origin: germline.
Comment: This variant is classified as likely benign based on ACMG/AMP sequence variant interpretation guidelines (Richards et al. 2015 PMID: 25741868, with internal and published modifications).

CeGaT Center for Human Genetics Tuebingen
Classification: Likely benign. Last evaluated: 2025-11-01. Review status: criteria provided, single submitter. Criteria: CeGaT Center For Human Genetics Tuebingen Variant Classification Criteria Version 2. Collection method: clinical testing. Allele origin: germline. Affected: yes. Observed: 3 variant alleles.
Comment: CACNA1C: BP4, BP7

Molecular Diagnostic Laboratory for Inherited Cardiovascular Disease, Montreal Heart Institute
Classification: Likely benign. Last evaluated: 2025-04-09. Review status: criteria provided, single submitter. Criteria: ACMG Guidelines, 2015. Collection method: clinical testing. Allele origin: germline. Affected: no.

GeneDx
Classification: Likely benign. Last evaluated: 2021-06-30. Review status: criteria provided, single submitter. Criteria: GeneDx Variant Classification Process June 2021. Collection method: clinical testing. Allele origin: germline. Affected: yes.

Ambry Genetics
Classification: Likely benign for Cardiovascular phenotype. Last evaluated: 2015-12-01. Review status: criteria provided, single submitter. Criteria: Ambry Variant Classification Scheme 2023. Collection method: clinical testing. Allele origin: germline.